The following is an entry in ClinVar:

ClinVar aggregate classification (germline): Uncertain significance (1 of 4 stars; one submission).

Submission:

Labcorp Genetics (formerly Invitae), Labcorp
Classification: Uncertain significance. Last evaluated: 2023-12-04. Review status: criteria provided, single submitter. Criteria: Invitae Variant Classification Sherloc (09022015). Collection method: clinical testing. Allele origin: germline.
Comment: This sequence change replaces aspartic acid, which is acidic and polar, with glycine, which is neutral and non-polar, at codon 290 of the PRPF8 protein (p.Asp290Gly). This variant is not present in population databases (gnomAD no frequency). This variant has not been reported in the literature in individuals affected with PRPF8-related conditions. An algorithm developed to predict the effect of missense changes on protein structure and function (PolyPhen-2) suggests that this variant is likely to be disruptive. In summary, the available evidence is currently insufficient to determine the role of this variant in disease. Therefore, it has been classified as a Variant of Uncertain Significance.

NM_006445.4(PRPF8):c.869A>G (p.Asp290Gly)

Gene: PRPF8 (pre-mRNA processing factor 8; minus strand). Cytogenetic location: 17p13.3.
Variant type: single nucleotide variant.
Coding change: c.869A>G on transcript NM_006445.4 (MANE Select); coding-DNA position 869, A replaced by G.
Protein change: p.Asp290Gly; replaces aspartic acid 290 with glycine.
Molecular consequence: missense variant.
Genome position (GRCh38, 1-based): chr17:1,681,052, T>C on the plus strand (A>G on the coding strand, the complement: PRPF8 is on the minus strand). VCF-style: chr17-1681052-T-C. GRCh37 (hg19) VCF-style: chr17-1584346-T-C.
Other names: short protein forms D290G.
Identifiers: ClinVar variation 2778820 (VCV002778820.3), dbSNP rs2543780547, ClinGen allele CA397566292.